The following is an entry in ClinVar:

NM_031844.3(HNRNPU):c.1865_1867del (p.Glu622del)

Gene: HNRNPU (heterogeneous nuclear ribonucleoprotein U; minus strand). Cytogenetic location: 1q44.
Variant type: Deletion.
Coding change: c.1865_1867del on transcript NM_031844.3 (MANE Select); coding-DNA positions 1865 to 1867, 3 bases deleted (AAG; older notation c.1865_1867delAAG).
Protein change: p.Glu622del; deletes glutamic acid 622.
Molecular consequence: inframe deletion.
Genome position (GRCh38, 1-based): chr1:244,856,502-244,856,504, CTT deleted on the plus strand (AAG on the coding strand, the reverse complement: HNRNPU is on the minus strand); deleting any 3 consecutive bases within chr1:244,856,502-244,856,506 gives the same sequence; the c. name uses the placement nearest the transcript's 3' end. VCF-style (leftmost placement, unchanged base first): chr1-244856501-ACTT-A. GRCh37 (hg19) VCF-style: chr1-245019803-ACTT-A.
Other names: c.1808_1810del, p.Glu603del (NM_004501.3); c.1865_1867delAAG (NM_031844.2); short protein forms E622del, E603del.
Identifiers: ClinVar variation 452169 (VCV000452169.3), dbSNP rs1553282322, ClinGen allele CA658657004.

ClinVar aggregate classification (germline): Uncertain significance (1 of 4 stars; one submission).

Submission:

GeneDx
Classification: Uncertain significance. Last evaluated: 2019-05-23. Review status: criteria provided, single submitter. Criteria: GeneDx Variant Classification Process June 2021. Collection method: clinical testing. Allele origin: germline. Affected: yes.
Comment: Not observed in large population cohorts (Lek et al., 2016); In-frame deletion of 1 amino acids in a non-repeat region; In silico analysis, which includes protein predictors and evolutionary conservation, supports a deleterious effect; Has not been previously published as pathogenic or benign to our knowledge